The following is an entry in ClinVar:

NM_022051.3(EGLN1):c.367G>A (p.Ala123Thr)

Gene: EGLN1 (egl-9 family hypoxia inducible factor 1; minus strand). Cytogenetic location: 1q42.2.
Variant type: single nucleotide variant.
Coding change: c.367G>A on transcript NM_022051.3 (MANE Select); coding-DNA position 367, G replaced by A.
Protein change: p.Ala123Thr; replaces alanine 123 with threonine.
Molecular consequence: missense variant.
Genome position (GRCh38, 1-based): chr1:231,421,522, C>T on the plus strand (G>A on the coding strand, the complement: EGLN1 is on the minus strand). VCF-style: chr1-231421522-C-T. GRCh37 (hg19) VCF-style: chr1-231557268-C-T.
Other names: c.367G>A, p.Ala123Thr (NM_001377260.1, NM_001377261.1); short protein forms A123T.
Identifiers: ClinVar variation 1733869 (VCV001733869.2), dbSNP rs2102947774, ClinGen allele CA345237429.

ClinVar aggregate classification (germline): Uncertain significance (1 of 4 stars; one submission).

Allele frequency attached by ClinVar (database versions not stated): gnomAD exomes 0.00001.

Submission:

Ambry Genetics
Classification: Uncertain significance. Last evaluated: 2021-06-23. Review status: criteria provided, single submitter. Criteria: Ambry Variant Classification Scheme 2023. Collection method: clinical testing. Allele origin: germline.
Comment: The p.A123T variant (also known as c.367G>A), located in coding exon 1 of the EGLN1 gene, results from a G to A substitution at nucleotide position 367. The alanine at codon 123 is replaced by threonine, an amino acid with similar properties. This amino acid position is conserved. In addition, this alteration is predicted to be tolerated by in silico analysis. Since supporting evidence is limited at this time, the clinical significance of this alteration remains unclear.